The following is an entry in ClinVar:

NM_000214.3(JAG1):c.2999dup (p.Ala1001fs)

Gene: JAG1 (jagged canonical Notch ligand 1; minus strand). Cytogenetic location: 20p12.2.
Variant type: Duplication.
Coding change: c.2999dup on transcript NM_000214.3 (MANE Select); coding-DNA position 2999, one base duplicated (T; older notation c.2999dupT).
Protein change: p.Ala1001fs; shifts the reading frame from alanine 1001.
Molecular consequence: frameshift variant.
Genome position (GRCh38, 1-based): chr20:10,641,162, A duplicated on the plus strand (T on the coding strand, the reverse complement: JAG1 is on the minus strand). VCF-style (leftmost placement, unchanged base first): chr20-10641161-G-GA. GRCh37 (hg19) VCF-style: chr20-10621809-G-GA.
Other names: c.2999dupT (NM_000214.2); short protein forms A1001fs.
Identifiers: ClinVar variation 2717767 (VCV002717767.6), dbSNP rs2514508367, ClinGen allele CA2697547300.

ClinVar aggregate classification (germline): Pathogenic/Likely pathogenic. Review status: criteria provided, multiple submitters, no conflicts (2 of 4 stars). 3 submissions from 3 submitters: Pathogenic (1); Likely pathogenic (1). 1 of the submissions does not count toward it. Last evaluated 2024-01-04.

Conditions:
Alagille syndrome due to a JAG1 point mutation. Also called: JAG1-Related Alagille Syndrome; Alagille Syndrome 1; HEPATIC DUCTULAR HYPOPLASIA, SYNDROMATIC. Identifiers: Orphanet 261619, Orphanet 52, MedGen C1956125, MONDO:0016862, OMIM 118450.
JAG1-related disorder. Also called: JAG1-related disorders; JAG1-related condition.
Deafness, congenital heart defects, and posterior embryotoxon (DCHE). Identifiers: MedGen C1866053, MONDO:0060713, OMIM 617992.
Charcot-Marie-Tooth disease, axonal, Type 2HH. Also called: CHARCOT-MARIE-TOOTH NEUROPATHY, TYPE 2HH. Identifiers: MedGen C5562003, MONDO:0030458, OMIM 619574.
Tetralogy of Fallot (TOF). Identifiers: Orphanet 3303, MedGen C0039685, MONDO:0008542, OMIM 187500, HP:0001636.

Submissions (3):

Fulgent Genetics
Classification: Likely pathogenic for Alagille syndrome due to a JAG1 point mutation; Tetralogy of Fallot; Deafness, congenital heart defects, and posterior embryotoxon; Charcot-Marie-Tooth disease, axonal, Type 2HH. Last evaluated: 2024-01-04. Review status: criteria provided, single submitter. Criteria: ACMG Guidelines, 2015. Collection method: clinical testing. Allele origin: germline.

Labcorp Genetics (formerly Invitae), Labcorp
Classification: Pathogenic for Alagille syndrome due to a JAG1 point mutation. Last evaluated: 2023-06-16. Review status: criteria provided, single submitter. Criteria: Invitae Variant Classification Sherloc (09022015). Collection method: clinical testing. Allele origin: germline.
Comment: For these reasons, this variant has been classified as Pathogenic. This premature translational stop signal has been observed in individual(s) with Alagille syndrome (PMID: 25676721). This variant is not present in population databases (gnomAD no frequency). This sequence change creates a premature translational stop signal (p.Ala1001Argfs*11) in the JAG1 gene. It is expected to result in an absent or disrupted protein product. Loss-of-function variants in JAG1 are known to be pathogenic (PMID: 11180599).

PreventionGenetics, part of Exact Sciences
Classification: Likely pathogenic for JAG1-related condition. Last evaluated: 2024-01-12. Review status: no assertion criteria provided. Collection method: clinical testing. Allele origin: germline. Not counted in ClinVar's aggregate classification.
Comment: The JAG1 c.2999dupT variant is predicted to result in a frameshift and premature protein termination (p.Ala1001Argfs*11). To our knowledge, this variant has not been reported in the literature or in a large population database, indicating this variant is rare. Frameshift variants in JAG1 are expected to be pathogenic. This variant is interpreted as likely pathogenic.

Literature cited by the submitters: PubMed 25676721 (cited by Labcorp Genetics (formerly Invitae), Labcorp); PubMed 11180599 (cited by Labcorp Genetics (formerly Invitae), Labcorp).